The following is an entry in ClinVar:

ClinVar aggregate classification (germline): Pathogenic/Likely pathogenic. Review status: criteria provided, multiple submitters, no conflicts (2 of 4 stars). 3 submissions from 3 submitters: Pathogenic (2); Likely pathogenic (1). Last evaluated 2025-03-07.

Conditions:
Familial infantile myasthenia (CMS6). Also called: Congenital myasthenic syndrome type 6; MYASTHENIC SYNDROME, PRESYNAPTIC, CONGENITAL, ASSOCIATED WITH EPISODIC APNEA; MYASTHENIC SYNDROME, CONGENITAL, 6, PRESYNAPTIC. Identifiers: Orphanet 590, MedGen C0393929, MONDO:0009689, OMIM 254210.

Submissions (3):

Victorian Clinical Genetics Services, Murdoch Childrens Research Institute
Classification: Pathogenic for Familial infantile myasthenia. Last evaluated: 2025-03-07. Review status: criteria provided, single submitter. Criteria: ACMG Guidelines, 2015. Collection method: clinical testing. Allele origin: germline.
Comment: This variant is classified as Pathogenic. Evidence in support of pathogenic classification: Variant is predicted to cause nonsense-mediated decay (NMD) and loss of protein (premature termination codon is located at least 54 nucleotides upstream of the final exon-exon junction); Variant is absent from gnomAD (v2, v3 and v4); This variant has limited previous evidence of pathogenicity in unrelated individual(s). This variant has been classified as pathogenic and likely pathogenic by clinical laboratories in ClinVar; Other NMD-predicted variant(s) comparable to the one identified in this case have very strong previous evidence for pathogenicity (DECIPHER). Additional information: This variant is heterozygous; This gene is associated with autosomal recessive disease; No published segregation evidence has been identified for this variant; No published functional evidence has been identified for this variant; Loss of function is a known mechanism of disease in this gene and is associated with presynaptic congenital myasthenic syndrome 6 (MIM#254210).

Baylor Genetics
Classification: Likely pathogenic for Familial infantile myasthenia. Last evaluated: 2023-12-17. Review status: criteria provided, single submitter. Criteria: ACMG Guidelines, 2015. Collection method: clinical testing. Allele origin: unknown.

Labcorp Genetics (formerly Invitae), Labcorp
Classification: Pathogenic for Familial infantile myasthenia. Last evaluated: 2023-04-30. Review status: criteria provided, single submitter. Criteria: Invitae Variant Classification Sherloc (09022015). Collection method: clinical testing. Allele origin: germline.
Comment: This sequence change creates a premature translational stop signal (p.Cys453*) in the CHAT gene. It is expected to result in an absent or disrupted protein product. Loss-of-function variants in CHAT are known to be pathogenic (PMID: 12548525, 21786365, 23292760). This variant is not present in population databases (gnomAD no frequency). For these reasons, this variant has been classified as Pathogenic. This variant has not been reported in the literature in individuals affected with CHAT-related conditions.

Literature cited by the submitters: PubMed 12548525 (cited by Labcorp Genetics (formerly Invitae), Labcorp); PubMed 21786365 (cited by Labcorp Genetics (formerly Invitae), Labcorp); PubMed 23292760 (cited by Labcorp Genetics (formerly Invitae), Labcorp).

NM_020549.5(CHAT):c.1359_1363del (p.Cys453_Glu455delinsTer)

Gene: CHAT (choline O-acetyltransferase; plus strand). Cytogenetic location: 10q11.23.
Variant type: Deletion.
Coding change: c.1359_1363del on transcript NM_020549.5 (MANE Select); coding-DNA positions 1359 to 1363, 5 bases deleted (CACTG; older notation c.1359_1363delCACTG).
Protein change: p.Cys453_Glu455delinsTer.
Molecular consequence: nonsense.
Genome position (GRCh38, 1-based): chr10:49,648,584-49,648,588, CACTG deleted; deleting any 5 consecutive bases within chr10:49,648,582-49,648,588 gives the same sequence; the c. name uses the placement nearest the transcript's 3' end. VCF-style (leftmost placement, unchanged base first): chr10-49648581-GTGCAC-G. GRCh37 (hg19) VCF-style: chr10-50856627-GTGCAC-G.
Other names: c.1005_1009del, p.Cys335_Glu337delinsTer (NM_001142929.2, NM_001142934.2, NM_020984.4 and 2 more transcripts); c.1113_1117del, p.Cys371_Glu373delinsTer (NM_001142933.2).
Identifiers: ClinVar variation 2860930 (VCV002860930.6), dbSNP rs2538860938, ClinGen allele CA2739265359.
Genomic context (GRCh38, chr10:49,648,581, plus strand): 5'-AGACGGCACCTGCGGTGTGGTGTGCGAACACTCCCCATTCGATGGCATCGTCCTGGTGCA[GTGCAC>G]TGAGCATCTGCTCAAGCACGTGTGAGTCTGGATCCCAGGGCTGCCATGCTGGGCCCAAAA-3'